The following is an entry in ClinVar:

ClinVar aggregate classification (germline): Uncertain significance (1 of 4 stars; one submission).

Submission:

Labcorp Genetics (formerly Invitae), Labcorp
Classification: Uncertain significance. Last evaluated: 2022-12-30. Review status: criteria provided, single submitter. Criteria: Invitae Variant Classification Sherloc (09022015). Collection method: clinical testing. Allele origin: germline.
Comment: This variant, c.1042_1044del, results in the deletion of 1 amino acid(s) of the GUCY2C protein (p.Thr348del), but otherwise preserves the integrity of the reading frame. This variant is not present in population databases (gnomAD no frequency). In summary, the available evidence is currently insufficient to determine the role of this variant in disease. Therefore, it has been classified as a Variant of Uncertain Significance. Experimental studies and prediction algorithms are not available or were not evaluated, and the functional significance of this variant is currently unknown. This variant has not been reported in the literature in individuals affected with GUCY2C-related conditions.

NM_004963.4(GUCY2C):c.1039ACC[1] (p.Thr348del)

Genes: GUCY2C (guanylate cyclase 2C; minus strand), GUCY2C-AS1 (GUCY2C antisense RNA 1; plus strand). Cytogenetic location: 12p12.3.
Variant type: Microsatellite.
Coding change: c.1039ACC[1] on transcript NM_004963.4 (MANE Select); one copy of the 3-base unit ACC starting at c.1039; the reference has two copies in a row; one copy, 3 bases deleted.
Protein change: p.Thr348del; deletes threonine 348.
Molecular consequence: inframe deletion.
Genome position (GRCh38, 1-based): chr12:14,674,665-14,674,667, GGT deleted on the plus strand (ACC on the coding strand, the reverse complement: GUCY2C is on the minus strand); deleting any 3 consecutive bases within chr12:14,674,665-14,674,670 gives the same sequence; the position shown is the placement nearest the transcript's 3' end. VCF-style (leftmost placement, unchanged base first): chr12-14674664-GGGT-G. GRCh37 (hg19) VCF-style: chr12-14827598-GGGT-G.
Other names: short protein forms T348del.
Identifiers: ClinVar variation 2025939 (VCV002025939.4), dbSNP rs2497772823, ClinGen allele CA2580615141.